The following is an entry in ClinVar:

ClinVar aggregate classification (germline): Uncertain significance (1 of 4 stars; one submission).

Conditions:
Landau-Kleffner syndrome (FESD). Also called: EPILEPSY, FOCAL, WITH SPEECH DISORDER AND WITH OR WITHOUT MENTAL RETARDATION; APHASIA, ACQUIRED, WITH EPILEPSY. Identifiers: Orphanet 1945, Orphanet 725, Orphanet 98818, MedGen C0282512, MONDO:0009509, OMIM 245570.

Submission:

Labcorp Genetics (formerly Invitae), Labcorp
Classification: Uncertain significance for Landau-Kleffner syndrome. Last evaluated: 2024-07-01. Review status: criteria provided, single submitter. Criteria: Invitae Variant Classification Sherloc (09022015). Collection method: clinical testing. Allele origin: germline.
Comment: This sequence change replaces serine, which is neutral and polar, with glycine, which is neutral and non-polar, at codon 540 of the GRIN2A protein (p.Ser540Gly). This variant is not present in population databases (gnomAD no frequency). This variant has not been reported in the literature in individuals affected with GRIN2A-related conditions. ClinVar contains an entry for this variant (Variation ID: 1486682). Advanced modeling of protein sequence and biophysical properties (such as structural, functional, and spatial information, amino acid conservation, physicochemical variation, residue mobility, and thermodynamic stability) performed at Invitae indicates that this missense variant is expected to disrupt GRIN2A protein function with a positive predictive value of 80%. Algorithms developed to predict the effect of sequence changes on RNA splicing suggest that this variant may disrupt the consensus splice site. In summary, the available evidence is currently insufficient to determine the role of this variant in disease. Therefore, it has been classified as a Variant of Uncertain Significance.

NM_001134407.3(GRIN2A):c.1618A>G (p.Ser540Gly)

Gene: GRIN2A (glutamate ionotropic receptor NMDA type subunit 2A; minus strand). Cytogenetic location: 16p13.2.
Variant type: single nucleotide variant.
Coding change: c.1618A>G on transcript NM_001134407.3 (MANE Select); coding-DNA position 1618, A replaced by G.
Protein change: p.Ser540Gly; replaces serine 540 with glycine.
Molecular consequence: missense variant.
Genome position (GRCh38, 1-based): chr16:9,840,680, T>C on the plus strand (A>G on the coding strand, the complement: GRIN2A is on the minus strand). VCF-style: chr16-9840680-T-C. GRCh37 (hg19) VCF-style: chr16-9934537-T-C.
Other names: c.1618A>G, p.Ser540Gly (NM_000833.5, NM_001134408.2); short protein forms S540G.
Identifiers: ClinVar variation 1486682 (VCV001486682.6), dbSNP rs2141342201, ClinGen allele CA394800242.